The following is an entry in ClinVar:

NM_001205293.3(CACNA1E):c.3089G>A (p.Ser1030Asn)

Gene: CACNA1E (calcium voltage-gated channel subunit alpha1 E; plus strand). Cytogenetic location: 1q25.3.
Variant type: single nucleotide variant.
Coding change: c.3089G>A on transcript NM_001205293.3 (MANE Select); coding-DNA position 3089, G replaced by A.
Protein change: p.Ser1030Asn; replaces serine 1030 with asparagine.
Molecular consequence: missense variant.
Genome position (GRCh38, 1-based): chr1:181,733,577, G>A. VCF-style: chr1-181733577-G-A. GRCh37 (hg19) VCF-style: chr1-181702713-G-A.
Other names: c.3089G>A, p.Ser1030Asn (NM_000721.4); c.3032G>A, p.Ser1011Asn (NM_001205294.2); short protein forms S1030N, S1011N.
Identifiers: ClinVar variation 1402127 (VCV001402127.8), dbSNP rs1334265515, ClinGen allele CA343620922.

ClinVar aggregate classification (germline): Uncertain significance (1 of 4 stars; one submission).

gnomAD v4.1: 4 of 1,613,090 alleles (0.00025%); highest among the groups gnomAD compares: Non-Finnish European, 0.00034%; no homozygotes.

Submission:

Labcorp Genetics (formerly Invitae), Labcorp
Classification: Uncertain significance. Last evaluated: 2024-05-15. Review status: criteria provided, single submitter. Criteria: Invitae Variant Classification Sherloc (09022015). Collection method: clinical testing. Allele origin: germline.
Comment: This sequence change replaces serine, which is neutral and polar, with asparagine, which is neutral and polar, at codon 1030 of the CACNA1E protein (p.Ser1030Asn). This variant is not present in population databases (gnomAD no frequency). This variant has not been reported in the literature in individuals affected with CACNA1E-related conditions. ClinVar contains an entry for this variant (Variation ID: 1402127). Advanced modeling of protein sequence and biophysical properties (such as structural, functional, and spatial information, amino acid conservation, physicochemical variation, residue mobility, and thermodynamic stability) performed at Invitae indicates that this missense variant is not expected to disrupt CACNA1E protein function with a negative predictive value of 95%. In summary, the available evidence is currently insufficient to determine the role of this variant in disease. Therefore, it has been classified as a Variant of Uncertain Significance.